The following is an entry in ClinVar:

ClinVar aggregate classification (germline): Conflicting classifications of pathogenicity. Review status: criteria provided, conflicting classifications (1 of 4 stars). 6 submissions from 6 submitters: Uncertain significance (4); Likely benign (2). Last evaluated 2026-06-09.

Conditions:
Cardiovascular phenotype. Identifiers: MedGen CN230736.
Osteogenesis imperfecta type I (OI1). Also called: Osteogenesis imperfecta type 1; Lobstein's Disease; OI, TYPE I; OSTEOGENESIS IMPERFECTA TARDA; OSTEOGENESIS IMPERFECTA WITH BLUE SCLERAE; Lobstein disease. Identifiers: Orphanet 216796, Orphanet 666, MedGen C0023931, MONDO:0008146, OMIM 166200. Disease mechanism: loss of function.

Allele frequency attached by ClinVar (database versions not stated): TOPMed 0.00001; ExAC 0.00002; gnomAD exomes 0.00002; gnomAD 0.00003 and 0.00004.
gnomAD v4.1: 33 of 1,613,032 alleles (0.002%); highest among the groups gnomAD compares: African/African-American, 0.0053%; no homozygotes.

Submissions (6):

Women's Health and Genetics/Laboratory Corporation of America, LabCorp
Classification: Uncertain significance. Last evaluated: 2026-06-09. Review status: criteria provided, single submitter. Criteria: LabCorp Variant Classification Summary - May 2015. Collection method: clinical testing. Allele origin: germline.
Comment: Variant summary: COL1A1 c.1270G>A (p.Gly424Ser) results in a non-conservative amino acid change in the encoded protein sequence. Algorithms developed to predict the effect of missense changes on protein structure and function are either unavailable or do not agree on the potential impact of this missense change. The variant allele was found at a frequency of 1.6e-05 in 247964 control chromosomes (gnomAD). The available data on variant occurrences in the general population are insufficient to allow any conclusion about variant significance. To our knowledge, no occurrence of c.1270G>A in individuals affected with COL1A1-related conditions and no experimental evidence demonstrating its impact on protein function have been reported. ClinVar contains an entry for this variant (Variation ID: 938632). Based on the evidence outlined above, the variant was classified as uncertain significance.

Labcorp Genetics (formerly Invitae), Labcorp
Classification: Likely benign for Osteogenesis imperfecta type I. Last evaluated: 2025-11-01. Review status: criteria provided, single submitter. Criteria: Invitae Variant Classification Sherloc (09022015). Collection method: clinical testing. Allele origin: germline.

Ambry Genetics
Classification: Likely benign for Cardiovascular phenotype. Last evaluated: 2025-03-14. Review status: criteria provided, single submitter. Criteria: Ambry Variant Classification Scheme 2023. Collection method: clinical testing. Allele origin: germline.

Mayo Clinic Laboratories, Mayo Clinic
Classification: Uncertain significance. Last evaluated: 2023-07-26. Review status: criteria provided, single submitter. Criteria: ACMG Guidelines, 2015. Collection method: clinical testing. Allele origin: germline. Observed: 1 variant allele.
Comment: BP4, PP2

CeGaT Center for Human Genetics Tuebingen
Classification: Uncertain significance. Last evaluated: 2020-10-01. Review status: criteria provided, single submitter. Criteria: CeGaT Center For Human Genetics Tuebingen Variant Classification Criteria Version 2. Collection method: clinical testing. Allele origin: germline. Affected: yes. Observed: 1 variant allele.

Blueprint Genetics
Classification: Uncertain significance. Last evaluated: 2018-06-27. Review status: criteria provided, single submitter. Criteria: ACMG Guidelines, 2015. Collection method: clinical testing. Allele origin: germline.

Literature cited by the submitters: PubMed 17078022 (cited by Ambry Genetics).

NM_000088.4(COL1A1):c.1270G>A (p.Gly424Ser)

Gene: COL1A1 (collagen type I alpha 1 chain; minus strand). Cytogenetic location: 17q21.33.
Variant type: single nucleotide variant.
Coding change: c.1270G>A on transcript NM_000088.4 (MANE Select); coding-DNA position 1270, G replaced by A.
Protein change: p.Gly424Ser; replaces glycine 424 with serine.
Molecular consequence: missense variant.
Genome position (GRCh38, 1-based): chr17:50,195,261, C>T on the plus strand (G>A on the coding strand, the complement: COL1A1 is on the minus strand). VCF-style: chr17-50195261-C-T. GRCh37 (hg19) VCF-style: chr17-48272622-C-T.
Other names: p.Gly424Ser; short protein forms G424S.
Identifiers: ClinVar variation 938632 (VCV000938632.51), dbSNP rs750427423, ClinGen allele CA8645327.
Genomic context (GRCh38, chr17:50,195,261, plus strand): 5'-GGGTGGGCAGAAGGGAGAGTTTGGTACTCACGCTGTTACCCTTGGGACCAGGAGGGCCGC[C>T]GGGGCCCTGGGGTCCAGAGGGGCCTCGGGCACCAGGGAAGCCAGGAGCACCAGCAATACC-3'
Protein context (NP_000079.2, residues 414-434): ARGPSGPQGP[Gly424Ser]GPPGPKGNSG